The following is an entry in ClinVar:

NM_002739.5(PRKCG):c.68G>A (p.Gly23Glu)

Gene: PRKCG (protein kinase C gamma; plus strand). Cytogenetic location: 19q13.42.
Variant type: single nucleotide variant.
Coding change: c.68G>A on transcript NM_002739.5 (MANE Select); coding-DNA position 68, G replaced by A.
Protein change: p.Gly23Glu; replaces glycine 23 with glutamic acid.
Molecular consequence: missense variant.
Genome position (GRCh38, 1-based): chr19:53,882,562, G>A. VCF-style: chr19-53882562-G-A. GRCh37 (hg19) VCF-style: chr19-54385816-G-A.
Other names: c.68G>A, p.Gly23Glu (NM_001316329.2); short protein forms G23E.
Identifiers: ClinVar variation 805319 (VCV000805319.4), dbSNP rs1599937005, ClinGen allele CA407411867.

ClinVar aggregate classification (germline): Uncertain significance (1 of 4 stars; one submission).

Allele frequency attached by ClinVar (database versions not stated): gnomAD exomes below 0.00001.
gnomAD v4.1: 1 of 1,614,126 alleles (0.000062%); highest among the groups gnomAD compares: South Asian, 0.0011%; no homozygotes.

Submission:

Athena Diagnostics
Classification: Uncertain significance. Last evaluated: 2024-04-22. Review status: criteria provided, single submitter. Criteria: Athena Diagnostics Criteria. Collection method: clinical testing. Allele origin: unknown.
Comment: Available data are insufficient to determine the clinical significance of the variant at this time. This variant has not been reported in large, multi-ethnic general populations. This variant has been identified in at least one individual with clinical features associated with this gene. Polyphen and MutationTaster predict this amino acid change may be damaging to the protein.

Literature cited by the submitters: PubMed 33739604.